The following is an entry in ClinVar:

NM_177972.3(TUB):c.1134C>T (p.Gly378=)

Genes: TUB (TUB bipartite transcription factor; plus strand), RIC3 (RIC3 acetylcholine receptor chaperone; minus strand). Cytogenetic location: 11p15.4.
Variant type: single nucleotide variant.
Coding change: c.1134C>T on transcript NM_177972.3 (MANE Select); coding-DNA position 1134, C replaced by T.
Protein change: p.Gly378=; no amino-acid change (glycine 378 retained).
Molecular consequence: synonymous variant.
Genome position (GRCh38, 1-based): chr11:8,100,520, C>T. VCF-style: chr11-8100520-C-T. GRCh37 (hg19) VCF-style: chr11-8122067-C-T.
Other names: c.1299C>T, p.Gly433= (NM_003320.5); c.1299C>T (NM_003320.4).
Identifiers: ClinVar variation 1948714 (VCV001948714.7), dbSNP rs376884296, ClinGen allele CA5871376.

ClinVar aggregate classification (germline): Likely benign. Review status: criteria provided, single submitter (1 of 4 stars). 2 submissions from 2 submitters: Likely benign (1). 1 of the submissions does not count toward it. Last evaluated 2022-07-04.

Conditions:
TUB-related disorder. Also called: TUB-related condition.

Allele frequency attached by ClinVar (database versions not stated): ExAC 0.00002; gnomAD exomes 0.00002; TOPMed 0.00002; gnomAD 0.00003; ESP Exome Variant Server 0.00008.
gnomAD v4.1: 37 of 1,613,992 alleles (0.0023%); highest among the groups gnomAD compares: Non-Finnish European, 0.0029%; no homozygotes.

Submissions (2):

Labcorp Genetics (formerly Invitae), Labcorp
Classification: Likely benign. Last evaluated: 2022-07-04. Review status: criteria provided, single submitter. Criteria: Invitae Variant Classification Sherloc (09022015). Collection method: clinical testing. Allele origin: germline.

PreventionGenetics, part of Exact Sciences
Classification: Likely benign for TUB-related condition. Last evaluated: 2024-02-22. Review status: no assertion criteria provided. Collection method: clinical testing. Allele origin: germline. Not counted in ClinVar's aggregate classification.
Comment: This variant is classified as likely benign based on ACMG/AMP sequence variant interpretation guidelines (Richards et al. 2015 PMID: 25741868, with internal and published modifications).